The following is an entry in ClinVar:

NM_001625.4(AK2):c.714dup (p.Ile239fs)

Gene: AK2 (adenylate kinase 2; minus strand). Cytogenetic location: 1p35.1.
Variant type: Duplication.
Coding change: c.714dup on transcript NM_001625.4 (MANE Select); coding-DNA position 714, one base duplicated (T; older notation c.714dupT).
Protein change: p.Ile239fs; shifts the reading frame from isoleucine 239.
Molecular consequence: frameshift variant. On other transcripts: 3 prime UTR variant (1), intron variant (5).
Genome position (GRCh38, 1-based): chr1:33,013,187, A duplicated on the plus strand (T on the coding strand, the reverse complement: AK2 is on the minus strand); the first of 3 consecutive A bases (chr1:33,013,187-33,013,189); duplicating any one gives the same sequence. VCF-style (leftmost placement, unchanged base first): chr1-33013186-T-TA. GRCh37 (hg19) VCF-style: chr1-33478787-T-TA.
Other names: c.570dup, p.Ile191fs (NM_001319140.2); c.*217dup (NM_001319143.2); c.694+20dup (NM_013411.5, NM_001319141.3); c.568+20dup (NM_001319142.3); c.670+20dup (NM_001199199.3); c.550+20dup (NM_001319139.3); short protein forms I191fs, I239fs.
Identifiers: ClinVar variation 1384263 (VCV001384263.6), dbSNP rs2124278051, ClinGen allele CA2573132233.
Genomic context (GRCh38, chr1:33,013,186, plus strand): 5'-CATTCCCACCCATTGCCTCACAGGGATGGAAAGAAATTCCTTCTTGGACCCAACATTAGA[T>TA]AAACATAACCAAGTCTTTACATGTGGCTTTGGAGAAGGCTGCTAGGATGCTTGCGAACAC-3'

ClinVar aggregate classification (germline): Uncertain significance (1 of 4 stars; one submission).

Conditions:
Reticular dysgenesis. Also called: ALEUKOCYTOSIS; CONGENITAL ALEUKIA; HEMATOPOIETIC HYPOPLASIA, GENERALIZED; RETICULAR DYSGENESIA; SEVERE COMBINED IMMUNODEFICIENCY WITH LEUKOPENIA; DeVaal disease. Identifiers: Orphanet 33355, MedGen C0272167, MONDO:0009973, OMIM 267500.

Submission:

Labcorp Genetics (formerly Invitae), Labcorp
Classification: Uncertain significance for Reticular dysgenesis. Last evaluated: 2021-04-02. Review status: criteria provided, single submitter. Criteria: Invitae Variant Classification Sherloc (09022015). Collection method: clinical testing. Allele origin: germline.
Comment: This sequence change results in a frameshift in the AK2 gene (p.Ile239Tyrfs*15). While this is not anticipated to result in nonsense mediated decay, it is expected to disrupt the last 1 amino acid(s) of the AK2 protein and extend the protein by 13 additional amino acid residues. This variant is not present in population databases (ExAC no frequency). This variant has not been reported in the literature in individuals with AK2-related conditions. In summary, the available evidence is currently insufficient to determine the role of this variant in disease. Therefore, it has been classified as a Variant of Uncertain Significance. Experimental studies and prediction algorithms are not available or were not evaluated, and the functional significance of this variant is currently unknown.